The following is an entry in ClinVar:

NM_017617.5(NOTCH1):c.426C>A (p.Asp142Glu)

Gene: NOTCH1 (notch receptor 1; minus strand). Cytogenetic location: 9q34.3.
Variant type: single nucleotide variant.
Coding change: c.426C>A on transcript NM_017617.5 (MANE Select); coding-DNA position 426, C replaced by A.
Protein change: p.Asp142Glu; replaces aspartic acid 142 with glutamic acid.
Molecular consequence: missense variant.
Genome position (GRCh38, 1-based): chr9:136,523,166, G>T on the plus strand (C>A on the coding strand, the complement: NOTCH1 is on the minus strand). VCF-style: chr9-136523166-G-T. GRCh37 (hg19) VCF-style: chr9-139417618-G-T.
Other names: short protein forms D142E.
Identifiers: ClinVar variation 2446621 (VCV002446621.1), dbSNP rs2540468582, ClinGen allele CA375571694.

ClinVar aggregate classification (germline): Uncertain significance (1 of 4 stars; one submission).

Submission:

GeneDx
Classification: Uncertain significance. Last evaluated: 2022-09-28. Review status: criteria provided, single submitter. Criteria: GeneDx Variant Classification Process June 2021. Collection method: clinical testing. Allele origin: germline. Affected: yes.
Comment: Not observed at significant frequency in large population cohorts (gnomAD); In silico analysis supports that this missense variant has a deleterious effect on protein structure/function; Has not been previously published as pathogenic or benign to our knowledge